The following is an entry in ClinVar:

ClinVar aggregate classification (germline): Pathogenic (1 of 4 stars; one submission).

Conditions:
PKD1-related disorder. Also called: PKD1-related condition.

Submission:

PreventionGenetics, part of Exact Sciences
Classification: Pathogenic for PKD1-related condition. Last evaluated: 2023-04-07. Review status: criteria provided, single submitter. Criteria: ACMG Guidelines, 2015. Collection method: clinical testing. Allele origin: germline.
Comment: The PKD1 c.4230C>A variant is predicted to result in premature protein termination (p.Tyr1410*). To our knowledge, this variant has not been reported in the literature or in a large population database, indicating this variant is rare. An alternative nucleotide substitution leading to the same amino acid change c.4230C>G (p.Tyr1410*) has been reported in a patient with autosomal dominant polycystic kidney disease (Table S1, Nielsen. 2021. PubMed ID: 33639313). This variant falls within a highly paralogous region. Allele frequency data should be interpreted with caution. Nonsense variants in PKD1 are expected to be pathogenic. This variant is interpreted as pathogenic.

NM_001009944.3(PKD1):c.4230C>A (p.Tyr1410Ter)

Gene: PKD1 (polycystin 1, transient receptor potential channel interacting; minus strand). Cytogenetic location: 16p13.3.
Variant type: single nucleotide variant.
Coding change: c.4230C>A on transcript NM_001009944.3 (MANE Select); coding-DNA position 4230, C replaced by A.
Protein change: p.Tyr1410Ter; replaces tyrosine 1410 with a stop codon.
Molecular consequence: nonsense.
Genome position (GRCh38, 1-based): chr16:2,110,937, G>T on the plus strand (C>A on the coding strand, the complement: PKD1 is on the minus strand). VCF-style: chr16-2110937-G-T. GRCh37 (hg19) VCF-style: chr16-2160938-G-T.
Other names: c.4230C>A, p.Tyr1410Ter (NM_000296.4); short protein forms Y1410*.
Identifiers: ClinVar variation 2629040 (VCV002629040.1), dbSNP rs2544823901, ClinGen allele CA394381089.